The following is an entry in ClinVar:

NM_138387.4(G6PC3):c.556A>C (p.Met186Leu)

Gene: G6PC3 (glucose-6-phosphatase catalytic subunit 3; plus strand). Cytogenetic location: 17q21.31.
Variant type: single nucleotide variant.
Coding change: c.556A>C on transcript NM_138387.4 (MANE Select); coding-DNA position 556, A replaced by C.
Protein change: p.Met186Leu; replaces methionine 186 with leucine.
Molecular consequence: missense variant.
Genome position (GRCh38, 1-based): chr17:44,075,330, A>C. VCF-style: chr17-44075330-A-C. GRCh37 (hg19) VCF-style: chr17-42152698-A-C.
Other names: c.437A>C, p.Asp146Ala (NM_001319945.2); c.211A>C, p.Met71Leu (NM_001384165.1, NM_001384166.1, NM_001384167.1 and 1 more transcripts); short protein forms D146A, M71L, M186L.
Identifiers: ClinVar variation 4027629 (VCV004027629.2).

ClinVar aggregate classification (germline): Uncertain significance. Review status: criteria provided, multiple submitters, no conflicts (2 of 4 stars). 2 submissions from 2 submitters: Uncertain significance (2). Last evaluated 2025-08-29.

Conditions:
Autosomal recessive severe congenital neutropenia due to G6PC3 deficiency. Also called: NEUTROPENIA, SEVERE CONGENITAL, 4, AUTOSOMAL RECESSIVE; G6PC3 Deficiency. Identifiers: Orphanet 331176, MedGen C2751630, MONDO:0012930, OMIM 612541.
Inborn genetic diseases. Identifiers: MedGen C0950123, MeSH D030342.

Submissions (2):

Labcorp Genetics (formerly Invitae), Labcorp
Classification: Uncertain significance for Autosomal recessive severe congenital neutropenia due to G6PC3 deficiency. Last evaluated: 2025-08-29. Review status: criteria provided, single submitter. Criteria: Invitae Variant Classification Sherloc (09022015). Collection method: clinical testing. Allele origin: germline.
Comment: This sequence change replaces methionine, which is neutral and non-polar, with leucine, which is neutral and non-polar, at codon 186 of the G6PC3 protein (p.Met186Leu). This variant is present in population databases (rs780659661, gnomAD 0.02%). This variant has not been reported in the literature in individuals affected with G6PC3-related conditions. ClinVar contains an entry for this variant (Variation ID: 4027629). Invitae Evidence Modeling of protein sequence and biophysical properties (such as structural, functional, and spatial information, amino acid conservation, physicochemical variation, residue mobility, and thermodynamic stability) indicates that this missense variant is not expected to disrupt G6PC3 protein function with a negative predictive value of 95%. In summary, the available evidence is currently insufficient to determine the role of this variant in disease. Therefore, it has been classified as a Variant of Uncertain Significance.

Ambry Genetics
Classification: Uncertain significance for Inborn genetic diseases. Last evaluated: 2025-06-14. Review status: criteria provided, single submitter. Criteria: Ambry Variant Classification Scheme 2023. Collection method: clinical testing. Allele origin: germline.
Comment: The p.M186L variant (also known as c.556A>C), located in coding exon 5 of the G6PC3 gene, results from an A to C substitution at nucleotide position 556. The methionine at codon 186 is replaced by leucine, an amino acid with highly similar properties. This amino acid position is conserved. In addition, this alteration is predicted to be tolerated by in silico analysis. Based on the available evidence, the clinical significance of this variant remains unclear.